The following is an entry in ClinVar:

ClinVar aggregate classification (germline): Uncertain significance (1 of 4 stars; one submission).

Conditions:
Combined oxidative phosphorylation defect type 17. Also called: Combined oxidative phosphorylation deficiency 17. Identifiers: Orphanet 369913, MedGen C3809526, MONDO:0014190, OMIM 615440.

Submission:

Labcorp Genetics (formerly Invitae), Labcorp
Classification: Uncertain significance for Combined oxidative phosphorylation defect type 17. Last evaluated: 2019-10-03. Review status: criteria provided, single submitter. Criteria: Invitae Variant Classification Sherloc (09022015). Collection method: clinical testing. Allele origin: germline.
Comment: This sequence change replaces valine with phenylalanine at codon 377 of the ELAC2 protein (p.Val377Phe). The valine residue is moderately conserved and there is a small physicochemical difference between valine and phenylalanine. In summary, the available evidence is currently insufficient to determine the role of this variant in disease. Therefore, it has been classified as a Variant of Uncertain Significance. Algorithms developed to predict the effect of missense changes on protein structure and function (SIFT, PolyPhen-2, Align-GVGD) all suggest that this variant is likely to be tolerated, but these predictions have not been confirmed by published functional studies and their clinical significance is uncertain. This variant has not been reported in the literature in individuals with ELAC2-related conditions. This variant is not present in population databases (ExAC no frequency).

NM_018127.7(ELAC2):c.1129G>T (p.Val377Phe)

Gene: ELAC2 (elaC ribonuclease Z 2; minus strand). Cytogenetic location: 17p12.
Variant type: single nucleotide variant.
Coding change: c.1129G>T on transcript NM_018127.7 (MANE Select); coding-DNA position 1129, G replaced by T.
Protein change: p.Val377Phe; replaces valine 377 with phenylalanine.
Molecular consequence: missense variant.
Genome position (GRCh38, 1-based): chr17:13,002,530, C>A on the plus strand (G>T on the coding strand, the complement: ELAC2 is on the minus strand). VCF-style: chr17-13002530-C-A. GRCh37 (hg19) VCF-style: chr17-12905847-C-A.
Other names: c.1009G>T, p.Val337Phe (NM_001165962.2); c.1129G>T, p.Val377Phe (NM_173717.2); short protein forms V337F, V377F.
Identifiers: ClinVar variation 941064 (VCV000941064.6), dbSNP rs1411516008, ClinGen allele CA398225481.
Genomic context (GRCh38, chr17:13,002,530, plus strand): 5'-AGATGTCCGGGTGGATGAGGTTGAGCTGGGTTTGAATCTTGTGGCTGCGAAGGTTGTGAA[C>A]TGAGGCACAGTTCTCATTCAGGACCAAGTGCTGGGTGTCAGGCCCAAACCTGTGAAGAAA-3'
Protein context (NP_060597.4, residues 367-387): HLVLNENCAS[Val377Phe]HNLRSHKIQT